The following is an entry in ClinVar:

NM_178452.6(DNAAF1):c.394C>T (p.Arg132Cys)

Gene: DNAAF1 (dynein axonemal assembly factor 1; plus strand). Cytogenetic location: 16q24.1.
Variant type: single nucleotide variant.
Coding change: c.394C>T on transcript NM_178452.6 (MANE Select); coding-DNA position 394, C replaced by T.
Protein change: p.Arg132Cys; replaces arginine 132 with cysteine.
Molecular consequence: missense variant.
Genome position (GRCh38, 1-based): chr16:84,154,618, C>T. VCF-style: chr16-84154618-C-T. GRCh37 (hg19) VCF-style: chr16-84188223-C-T.
Other names: short protein forms R132C.
Identifiers: ClinVar variation 410281 (VCV000410281.9), dbSNP rs538582505, ClinGen allele CA8202482.
Genomic context (GRCh38, chr16:84,154,618, plus strand): 5'-CGTGCTTCCTTTTTGTTAGGTTTTGATCGCATTGAGAACCTGGAAGAGTACACAGGGCTG[C>T]GCTGTCTCTGGCTGCAGAGCAATGGAATACAGAAAATCGAAAACCTGGAGGCCCAAACTG-3'
Protein context (NP_848547.4, residues 122-142): IENLEEYTGL[Arg132Cys]CLWLQSNGIQ

ClinVar aggregate classification (germline): Uncertain significance. Review status: criteria provided, multiple submitters, no conflicts (2 of 4 stars). 2 submissions from 2 submitters: Uncertain significance (2). Last evaluated 2024-08-03.

Conditions:
Primary ciliary dyskinesia. Also called: Ciliary dyskinesia. Identifiers: Orphanet 244, MedGen C0008780, MONDO:0016575, HP:0012265.

Allele frequency attached by ClinVar (database versions not stated): TOPMed 0.00001; 1000 Genomes Project 30x 0.00016; 1000 Genomes Project 0.00020.
gnomAD v4.1: 72 of 1,614,154 alleles (0.0045%); highest among the groups gnomAD compares: South Asian, 0.061%; 1 homozygote.

Submissions (2):

Ambry Genetics
Classification: Uncertain significance for Primary ciliary dyskinesia. Last evaluated: 2024-08-03. Review status: criteria provided, single submitter. Criteria: Ambry Variant Classification Scheme 2023. Collection method: clinical testing. Allele origin: germline.
Comment: The p.R132C variant (also known as c.394C>T), located in coding exon 4 of the DNAAF1 gene, results from a C to T substitution at nucleotide position 394. The arginine at codon 132 is replaced by cysteine, an amino acid with highly dissimilar properties. This amino acid position is conserved. In addition, this alteration is predicted to be tolerated by in silico analysis. Based on the available evidence, the clinical significance of this variant remains unclear.

Labcorp Genetics (formerly Invitae), Labcorp
Classification: Uncertain significance for Primary ciliary dyskinesia. Last evaluated: 2022-07-25. Review status: criteria provided, single submitter. Criteria: Invitae Variant Classification Sherloc (09022015). Collection method: clinical testing. Allele origin: germline.
Comment: This sequence change replaces arginine, which is basic and polar, with cysteine, which is neutral and slightly polar, at codon 132 of the DNAAF1 protein (p.Arg132Cys). This variant is present in population databases (rs538582505, gnomAD 0.06%). This variant has not been reported in the literature in individuals affected with DNAAF1-related conditions. ClinVar contains an entry for this variant (Variation ID: 410281). Algorithms developed to predict the effect of missense changes on protein structure and function (SIFT, PolyPhen-2, Align-GVGD) all suggest that this variant is likely to be disruptive. In summary, the available evidence is currently insufficient to determine the role of this variant in disease. Therefore, it has been classified as a Variant of Uncertain Significance.